The following is an entry in ClinVar:

NM_138694.4(PKHD1):c.12014A>C (p.Gln4005Pro)

Gene: PKHD1 (PKHD1 ciliary IPT domain containing fibrocystin/polyductin; minus strand). Cytogenetic location: 6p12.3.
Variant type: single nucleotide variant.
Coding change: c.12014A>C on transcript NM_138694.4 (MANE Select); coding-DNA position 12014, A replaced by C.
Protein change: p.Gln4005Pro; replaces glutamine 4005 with proline.
Molecular consequence: missense variant.
Genome position (GRCh38, 1-based): chr6:51,619,292, T>G on the plus strand (A>C on the coding strand, the complement: PKHD1 is on the minus strand). VCF-style: chr6-51619292-T-G. GRCh37 (hg19) VCF-style: chr6-51484090-T-G.
Other names: short protein forms Q4005P.
Identifiers: ClinVar variation 2057636 (VCV002057636.1), dbSNP rs750272645, ClinGen allele CA3850638.

ClinVar aggregate classification (germline): Uncertain significance (1 of 4 stars; one submission).

Conditions:
Autosomal recessive polycystic kidney disease (ARPKD). Also called: AR polycystic kidney disease. Identifiers: Orphanet 731, Orphanet 8378, MedGen C0085548, MeSH D017044, MONDO:0009889.

Allele frequency attached by ClinVar (database versions not stated): gnomAD 0.00001; TOPMed 0.00001.
gnomAD v4.1: 23 of 1,614,148 alleles (0.0014%); highest among the groups gnomAD compares: Non-Finnish European, 0.0019%; no homozygotes.

Submission:

Labcorp Genetics (formerly Invitae), Labcorp
Classification: Uncertain significance for Autosomal recessive polycystic kidney disease. Last evaluated: 2021-09-01. Review status: criteria provided, single submitter. Criteria: Invitae Variant Classification Sherloc (09022015). Collection method: clinical testing. Allele origin: germline.
Comment: This sequence change replaces glutamine with proline at codon 4005 of the PKHD1 protein (p.Gln4005Pro). The glutamine residue is weakly conserved and there is a moderate physicochemical difference between glutamine and proline. This variant is present in population databases (rs750272645, ExAC 0.001%). This variant has not been reported in the literature in individuals affected with PKHD1-related conditions. Algorithms developed to predict the effect of missense changes on protein structure and function are either unavailable or do not agree on the potential impact of this missense change (SIFT: "Deleterious"; PolyPhen-2: "Benign"; Align-GVGD: "Class C0"). In summary, the available evidence is currently insufficient to determine the role of this variant in disease. Therefore, it has been classified as a Variant of Uncertain Significance.